The following is an entry in ClinVar:

NM_001367871.1(FBRSL1):c.147C>G (p.Leu49=)

Gene: FBRSL1 (fibrosin like 1; plus strand). Cytogenetic location: 12q24.33.
Variant type: single nucleotide variant.
Coding change: c.147C>G on transcript NM_001367871.1 (MANE Select); coding-DNA position 147, C replaced by G.
Protein change: p.Leu49=; no amino-acid change (leucine 49 retained).
Molecular consequence: synonymous variant. On other transcripts: non-coding transcript variant (1).
Genome position (GRCh38, 1-based): chr12:132,490,717, C>G. VCF-style: chr12-132490717-C-G. GRCh37 (hg19) VCF-style: chr12-133067303-C-G.
Other names: c.147C>G, p.Leu49= (NM_001142641.2, NM_001382739.1, NM_001382740.1 and 2 more transcripts).
Identifiers: ClinVar variation 4873407 (VCV004873407.2).

ClinVar aggregate classification (germline): Likely benign (1 of 4 stars; one submission).

gnomAD v4.1: 3 of 986,356 alleles (0.0003%); highest among the groups gnomAD compares: Non-Finnish European, 0.00036%; no homozygotes.

Submission:

CeGaT Center for Human Genetics Tuebingen
Classification: Likely benign. Last evaluated: 2026-03-01. Review status: criteria provided, single submitter. Criteria: CeGaT Center For Human Genetics Tuebingen Variant Classification Criteria Version 2. Collection method: clinical testing. Allele origin: germline. Affected: yes. Observed: 1 variant allele.
Comment: FBRSL1: BP4, BP7